The following is an entry in ClinVar:

ClinVar aggregate classification (germline): Uncertain significance. Review status: criteria provided, multiple submitters, no conflicts (2 of 4 stars). 2 submissions from 2 submitters: Uncertain significance (2). Last evaluated 2024-07-02.

Conditions:
Inborn genetic diseases. Identifiers: MedGen C0950123, MeSH D030342.

Submissions (2):

Ambry Genetics
Classification: Uncertain significance for Inborn genetic diseases. Last evaluated: 2024-07-02. Review status: criteria provided, single submitter. Criteria: Ambry Variant Classification Scheme 2023. Collection method: clinical testing. Allele origin: germline.

Labcorp Genetics (formerly Invitae), Labcorp
Classification: Uncertain significance. Last evaluated: 2022-04-01. Review status: criteria provided, single submitter. Criteria: Invitae Variant Classification Sherloc (09022015). Collection method: clinical testing. Allele origin: germline.
Comment: This sequence change replaces glutamic acid, which is acidic and polar, with lysine, which is basic and polar, at codon 313 of the ADAMTS17 protein (p.Glu313Lys). This variant is present in population databases (rs367954865, gnomAD 0.09%). This variant has not been reported in the literature in individuals affected with ADAMTS17-related conditions. Algorithms developed to predict the effect of missense changes on protein structure and function are either unavailable or do not agree on the potential impact of this missense change (SIFT: "Not Available"; PolyPhen-2: "Probably Damaging"; Align-GVGD: "Not Available"). In summary, the available evidence is currently insufficient to determine the role of this variant in disease. Therefore, it has been classified as a Variant of Uncertain Significance.

NM_139057.4(ADAMTS17):c.937G>A (p.Glu313Lys)

Gene: ADAMTS17 (ADAM metallopeptidase with thrombospondin type 1 motif 17; minus strand). Cytogenetic location: 15q26.3.
Variant type: single nucleotide variant.
Coding change: c.937G>A on transcript NM_139057.4 (MANE Select); coding-DNA position 937, G replaced by A.
Protein change: p.Glu313Lys; replaces glutamic acid 313 with lysine.
Molecular consequence: missense variant.
Genome position (GRCh38, 1-based): chr15:100,261,573, C>T on the plus strand (G>A on the coding strand, the complement: ADAMTS17 is on the minus strand). VCF-style: chr15-100261573-C-T. GRCh37 (hg19) VCF-style: chr15-100801778-C-T.
Other names: c.937G>A (NM_139057.2); short protein forms E313K.
Identifiers: ClinVar variation 2059906 (VCV002059906.2), dbSNP rs367954865, ClinGen allele CA7758476.